The following is an entry in ClinVar:

NM_000587.4(C7):c.1831G>C (p.Ala611Pro)

Gene: C7 (complement C7; plus strand). Cytogenetic location: 5p13.1.
Variant type: single nucleotide variant.
Coding change: c.1831G>C on transcript NM_000587.4 (MANE Select); coding-DNA position 1831, G replaced by C.
Protein change: p.Ala611Pro; replaces alanine 611 with proline.
Molecular consequence: missense variant.
Genome position (GRCh38, 1-based): chr5:40,964,822, G>C. VCF-style: chr5-40964822-G-C. GRCh37 (hg19) VCF-style: chr5-40964924-G-C.
Other names: short protein forms A611P.
Identifiers: ClinVar variation 1912703 (VCV001912703.5), dbSNP rs752503418, ClinGen allele CA3250100.
Genomic context (GRCh38, chr5:40,964,822, plus strand): 5'-GTGGGGAAAAATGTAGTGTACACTTGCAATGAAGGATACTCTCTTATTGGAAACCCAGTG[G>C]CCAGATGTGGAGAAGATTTACGGTGGCTTGTTGGGGAAATGCATTGTCAGAGTGAGTGGC-3'
Protein context (NP_000578.2, residues 601-621): EGYSLIGNPV[Ala611Pro]RCGEDLRWLV

ClinVar aggregate classification (germline): Uncertain significance. Review status: criteria provided, multiple submitters, no conflicts (2 of 4 stars). 2 submissions from 2 submitters: Uncertain significance (2). Last evaluated 2024-04-27.

Conditions:
Inborn genetic diseases. Identifiers: MedGen C0950123, MeSH D030342.

Allele frequency attached by ClinVar (database versions not stated): gnomAD 0.00001; gnomAD exomes 0.00001; TOPMed 0.00001; ExAC 0.00002.
gnomAD v4.1: 24 of 1,613,666 alleles (0.0015%); highest among the groups gnomAD compares: Middle Eastern, 0.016%; no homozygotes.

Submissions (2):

Ambry Genetics
Classification: Uncertain significance for Inborn genetic diseases. Last evaluated: 2024-04-27. Review status: criteria provided, single submitter. Criteria: Ambry Variant Classification Scheme 2023. Collection method: clinical testing. Allele origin: germline.

Labcorp Genetics (formerly Invitae), Labcorp
Classification: Uncertain significance. Last evaluated: 2023-12-09. Review status: criteria provided, single submitter. Criteria: Invitae Variant Classification Sherloc (09022015). Collection method: clinical testing. Allele origin: germline.
Comment: This sequence change replaces alanine, which is neutral and non-polar, with proline, which is neutral and non-polar, at codon 611 of the C7 protein (p.Ala611Pro). This variant is present in population databases (rs752503418, gnomAD 0.006%). This missense change has been observed in individual(s) with C7-related conditions (Invitae). ClinVar contains an entry for this variant (Variation ID: 1912703). Advanced modeling of protein sequence and biophysical properties (such as structural, functional, and spatial information, amino acid conservation, physicochemical variation, residue mobility, and thermodynamic stability) performed at Invitae indicates that this missense variant is expected to disrupt C7 protein function with a positive predictive value of 80%. In summary, the available evidence is currently insufficient to determine the role of this variant in disease. Therefore, it has been classified as a Variant of Uncertain Significance.